The following is an entry in ClinVar:

ClinVar aggregate classification (germline): Conflicting classifications of pathogenicity. Review status: criteria provided, conflicting classifications (1 of 4 stars). 5 submissions from 5 submitters: Uncertain significance (1); Likely benign (4). Last evaluated 2026-01-22.

Conditions:
Inborn genetic diseases. Identifiers: MedGen C0950123, MeSH D030342.
Autosomal dominant childhood-onset proximal spinal muscular atrophy with contractures (SMALED2A). Also called: SPINAL MUSCULAR ATROPHY, LOWER EXTREMITY-PREDOMINANT, 2A, CHILDHOOD ONSET, AUTOSOMAL DOMINANT; Spinal muscular atrophy, lower extremity-predominant, 2A, autosomal dominant. Identifiers: Orphanet 363447, Orphanet 363454, MedGen C4747715, MONDO:0014121, OMIM 615290.

Allele frequency attached by ClinVar (database versions not stated): 1000 Genomes Project below 0.00001; TOPMed 0.00037; gnomAD 0.00038 and 0.00040; gnomAD exomes 0.00041; ExAC 0.00044; ESP Exome Variant Server 0.00062.
gnomAD v4.1: 532 of 1,613,960 alleles (0.033%); highest among the groups gnomAD compares: Non-Finnish European, 0.034%; no homozygotes.

Submissions (5):

Labcorp Genetics (formerly Invitae), Labcorp
Classification: Likely benign for Autosomal dominant childhood-onset proximal spinal muscular atrophy with contractures. Last evaluated: 2026-01-22. Review status: criteria provided, single submitter. Criteria: Invitae Variant Classification Sherloc (09022015). Collection method: clinical testing. Allele origin: germline.

ARUP Laboratories, Molecular Genetics and Genomics, ARUP Laboratories
Classification: Likely benign. Last evaluated: 2022-01-14. Review status: criteria provided, single submitter. Criteria: ARUP Molecular Germline Variant Investigation Process 2021. Collection method: clinical testing. Allele origin: germline.

Ambry Genetics
Classification: Likely benign for Inborn genetic diseases. Last evaluated: 2019-07-11. Review status: criteria provided, single submitter. Criteria: Ambry Variant Classification Scheme 2023. Collection method: clinical testing. Allele origin: germline.

GeneDx
Classification: Likely benign. Last evaluated: 2018-04-26. Review status: criteria provided, single submitter. Criteria: GeneDx Variant Classification (06012015). Collection method: clinical testing. Allele origin: germline. Affected: yes.
Comment: This variant is considered likely benign or benign based on one or more of the following criteria: it is a conservative change, it occurs at a poorly conserved position in the protein, it is predicted to be benign by multiple in silico algorithms, and/or has population frequency not consistent with disease.

CeGaT Center for Human Genetics Tuebingen
Classification: Uncertain significance. Last evaluated: 2016-05-01. Review status: criteria provided, single submitter. Criteria: CeGaT Center For Human Genetics Tuebingen Variant Classification Criteria Version 2. Collection method: clinical testing. Allele origin: germline. Affected: yes. Observed: 1 variant allele.

NM_001003800.2(BICD2):c.1893C>T (p.Ile631=)

Gene: BICD2 (BICD cargo adaptor 2; minus strand). Cytogenetic location: 9q22.31.
Variant type: single nucleotide variant.
Coding change: c.1893C>T on transcript NM_001003800.2 (MANE Select); coding-DNA position 1893, C replaced by T.
Protein change: p.Ile631=; no amino-acid change (isoleucine 631 retained).
Molecular consequence: synonymous variant.
Genome position (GRCh38, 1-based): chr9:92,718,752, G>A on the plus strand (C>T on the coding strand, the complement: BICD2 is on the minus strand). VCF-style: chr9-92718752-G-A. GRCh37 (hg19) VCF-style: chr9-95481034-G-A.
Other names: c.1893C>T, p.Ile631= (NM_015250.4).
Identifiers: ClinVar variation 541293 (VCV000541293.98), dbSNP rs141414055, ClinGen allele CA5126461.